The following is an entry in ClinVar:

ClinVar aggregate classification (germline): Uncertain significance (1 of 4 stars; one submission).

Conditions:
Intellectual developmental disorder, autosomal recessive 5. Also called: Intellectual disability, autosomal recessive 5. Identifiers: Orphanet 88616, MedGen C1970199, MONDO:0012613, OMIM 611091.

Submission:

Laboratorio de Biologia Molecular/Medicina Genomica - IFF/Fiocruz, Instituto Fernandes Figueira, Fundacao Oswaldo Cruz
Classification: Uncertain significance for Intellectual developmental disorder, autosomal recessive 5. Last evaluated: 2025-09-02. Review status: criteria provided, single submitter. Criteria: ACMG Guidelines, 2015. Collection method: clinical testing. Allele origin: germline. Affected: yes. Observed: 1 variant allele.
Comment: Variant: c.722A>C (p.His241Pro) in exon 7 of the NSUN2 gene. Protein effect: Missense substitution at a highly conserved across species. In silico tools: Do not predict a deleterious impact. Population database (gnomAD): Absent. ACMG/AMP criteria applied: PM2_Supporting.

NM_017755.6(NSUN2):c.722A>C (p.His241Pro)

Gene: NSUN2 (NOP2/Sun RNA methyltransferase 2; minus strand). Cytogenetic location: 5p15.31.
Variant type: single nucleotide variant.
Coding change: c.722A>C on transcript NM_017755.6 (MANE Select); coding-DNA position 722, A replaced by C.
Protein change: p.His241Pro; replaces histidine 241 with proline.
Molecular consequence: missense variant. On other transcripts: non-coding transcript variant (1).
Genome position (GRCh38, 1-based): chr5:6,620,199, T>G on the plus strand (A>C on the coding strand, the complement: NSUN2 is on the minus strand). VCF-style: chr5-6620199-T-G. GRCh37 (hg19) VCF-style: chr5-6620312-T-G.
Other names: c.617A>C, p.His206Pro (NM_001193455.2); short protein forms H206P, H241P.
Identifiers: ClinVar variation 4795178 (VCV004795178.1).